The following is an entry in ClinVar:

ClinVar aggregate classification (germline): Conflicting classifications of pathogenicity. Review status: criteria provided, conflicting classifications (1 of 4 stars). 2 submissions from 2 submitters: Uncertain significance (1); Likely benign (1). Last evaluated 2025-09-11.

Conditions:
Inborn genetic diseases. Identifiers: MedGen C0950123, MeSH D030342.

Allele frequency attached by ClinVar (database versions not stated): gnomAD exomes 0.00002 and 0.00009; ExAC 0.00008; TOPMed 0.00019; ESP Exome Variant Server 0.00023; gnomAD 0.00024; 1000 Genomes Project 0.00040; 1000 Genomes Project 30x 0.00047.
gnomAD v4.1: 59 of 1,608,318 alleles (0.0037%); highest among the groups gnomAD compares: Admixed American, 0.043%; no homozygotes.

Submissions (3):

Labcorp Genetics (formerly Invitae), Labcorp
Classification: Uncertain significance. Last evaluated: 2025-09-11. Review status: criteria provided, single submitter. Criteria: Invitae Variant Classification Sherloc (09022015). Collection method: clinical testing. Allele origin: germline.
Comment: This sequence change falls in intron 4 of the CTBP1 gene. It does not directly change the encoded amino acid sequence of the CTBP1 protein. It affects a nucleotide within the consensus splice site. This variant is present in population databases (rs374755819, gnomAD 0.07%), and has an allele count higher than expected for a pathogenic variant. This variant has not been reported in the literature in individuals affected with CTBP1-related conditions. ClinVar contains an entry for this variant (Variation ID: 1404571). Variants that disrupt the consensus splice site are a relatively common cause of aberrant splicing (PMID: 17576681, 9536098). Algorithms developed to predict the effect of sequence changes on RNA splicing suggest that this variant is not likely to affect RNA splicing. In summary, the available evidence is currently insufficient to determine the role of this variant in disease. Therefore, it has been classified as a Variant of Uncertain Significance.

Ambry Genetics
Classification: Likely benign for Inborn genetic diseases. Last evaluated: 2021-11-16. Review status: criteria provided, single submitter. Criteria: Ambry Variant Classification Scheme 2023. Collection method: clinical testing. Allele origin: germline.

Dr. Peter K. Rogan Lab, Western University
No classification provided (evidence only). Condition: Lung cancer. Review status: no classification provided. Collection method: in vitro. Allele origin: not applicable. Functional consequence: retained intron. Not counted in ClinVar's aggregate classification.

Literature cited by the submitters: PubMed 17576681 (cited by Labcorp Genetics (formerly Invitae), Labcorp); PubMed 9536098 (cited by Labcorp Genetics (formerly Invitae), Labcorp).

NM_001012614.2(CTBP1):c.515-3C>T

Genes: CTBP1 (C-terminal binding protein 1; minus strand), CTBP1-AS (CTBP1 antisense RNA; plus strand). Cytogenetic location: 4p16.3.
Variant type: single nucleotide variant.
Coding change: c.515-3C>T on transcript NM_001012614.2 (MANE Select); 3 bases into the intron before coding-DNA position 515, C replaced by T.
Molecular consequence: intron variant. On other transcripts: non-coding transcript variant (1).
Genome position (GRCh38, 1-based): chr4:1,216,208, G>A on the plus strand (C>T on the coding strand, the complement: CTBP1 is on the minus strand). VCF-style: chr4-1216208-G-A. GRCh37 (hg19) VCF-style: chr4-1209996-G-A.
Other names: c.548-3C>T (NM_001328.2, NM_001328.3, NM_001377186.1); c.515-3C>T (NM_001377192.1, NM_001377189.1, NM_001377193.1 and 4 more transcripts).
Identifiers: ClinVar variation 1404571 (VCV001404571.10), dbSNP rs374755819, ClinGen allele CA2804373.